The following is an entry in ClinVar:

NM_001148.6(ANK2):c.80A>C (p.Lys27Thr)

Gene: ANK2 (ankyrin 2; plus strand). Cytogenetic location: 4q25.
Variant type: single nucleotide variant.
Coding change: c.80A>C on transcript NM_001148.6 (MANE Select); coding-DNA position 80, A replaced by C.
Protein change: p.Lys27Thr; replaces lysine 27 with threonine.
Molecular consequence: missense variant. On other transcripts: intron variant (43).
Genome position (GRCh38, 1-based): chr4:113,049,808, A>C. VCF-style: chr4-113049808-A-C. GRCh37 (hg19) VCF-style: chr4-113970964-A-C.
Other names: p.K27T:AAG>ACG; c.80A>C, p.Lys27Thr (NM_001354225.2, NM_001354228.2, NM_001354232.2 and 10 more transcripts); c.73-124608A>C (NM_001386186.2, NM_001386148.2, NM_001354269.3 and 1 more transcripts); c.22-101272A>C (NM_001386147.1, NM_001386160.1, NM_001354261.2); c.22-124608A>C (NM_001354254.2, NM_001354239.2, NM_001354252.2 and 33 more transcripts); short protein forms K27T.
Identifiers: ClinVar variation 190590 (VCV000190590.9), dbSNP rs769843073, ClinGen allele CA301003.
Genomic context (GRCh38, chr4:113,049,808, plus strand): 5'-CTCAGAAAAGCGACAGTGGAGAGAAGTTCAACGGCAGTAGTCAGAGGAGAAAAAGACCCA[A>C]GAAGGTAAATCGCCGGAATTAGGAATGTCTGTGTATAAATATGTATGTGTGTGCATGTGT-3'
Protein context (NP_001139.3, residues 17-37): NGSSQRRKRP[Lys27Thr]KSDSNASFLR

ClinVar aggregate classification (germline): Uncertain significance. Review status: criteria provided, multiple submitters, no conflicts (2 of 4 stars). 4 submissions from 4 submitters: Uncertain significance (4). Last evaluated 2026-01-12.

Conditions:
Long QT syndrome (LQTS). Identifiers: MedGen C0023976, MeSH D008133, MONDO:0002442. Disease mechanism: loss of function. Inheritance: Various modes of inheritance.
Cardiac arrhythmia, ankyrin-B-related. Also called: ANKYRIN-B SYNDROME. Identifiers: Orphanet 101016, Orphanet 768, MedGen C1970119, MONDO:0010958, OMIM 600919.
Cardiovascular phenotype. Identifiers: MedGen CN230736.

Allele frequency attached by ClinVar (database versions not stated): ExAC 0.00002; gnomAD exomes 0.00002; gnomAD 0.00003 and 0.00004; TOPMed 0.00003.
gnomAD v4.1: 33 of 1,613,608 alleles (0.002%); highest among the groups gnomAD compares: Non-Finnish European, 0.0028%; no homozygotes.

Submissions (4):

Labcorp Genetics (formerly Invitae), Labcorp
Classification: Uncertain significance for Long QT syndrome. Last evaluated: 2026-01-12. Review status: criteria provided, single submitter. Criteria: Invitae Variant Classification Sherloc (09022015). Collection method: clinical testing. Allele origin: germline.
Comment: This sequence change replaces lysine, which is basic and polar, with threonine, which is neutral and polar, at codon 27 of the ANK2 protein (p.Lys27Thr). This variant is present in population databases (rs769843073, gnomAD 0.005%). This missense change has been observed in individual(s) with Brugada syndrome (PMID: 25650408). ClinVar contains an entry for this variant (Variation ID: 190590). An algorithm developed to predict the effect of missense changes on protein structure and function (PolyPhen-2) suggests that this variant is likely to be tolerated. In summary, the available evidence is currently insufficient to determine the role of this variant in disease. Therefore, it has been classified as a Variant of Uncertain Significance.

Ambry Genetics
Classification: Uncertain significance for Cardiovascular phenotype. Last evaluated: 2023-10-27. Review status: criteria provided, single submitter. Criteria: Ambry Variant Classification Scheme 2023. Collection method: clinical testing. Allele origin: germline.
Comment: The p.K27T variant (also known as c.80A>C), located in coding exon 1 of the ANK2 gene, results from an A to C substitution at nucleotide position 80. The lysine at codon 27 is replaced by threonine, an amino acid with similar properties. This alteration was observed in one individual reported to have Brugada syndrome; however, clinical details were limited (Le Scouarnec S et al. Hum. Mol. Genet., 2015 May;24:2757-63). This amino acid position is highly conserved in available vertebrate species. In addition, this alteration is predicted to be tolerated by in silico analysis. Since supporting evidence is limited at this time, the clinical significance of this alteration remains unclear.

Fulgent Genetics
Classification: Uncertain significance for Cardiac arrhythmia, ankyrin-B-related. Last evaluated: 2021-08-30. Review status: criteria provided, single submitter. Criteria: ACMG Guidelines, 2015. Collection method: clinical testing. Allele origin: unknown.

GeneDx
Classification: Uncertain significance. Last evaluated: 2012-02-02. Review status: criteria provided, single submitter. Criteria: GeneDx Variant Classification (06012015). Collection method: clinical testing. Allele origin: germline. Affected: yes.
Comment: The Lys27Thr variant in the ANK2 gene has not been reported previously as a disease-causing mutation, nor as a benign polymorphism to our knowledge. Lys27Thr results in a semi-conservative amino acid substitution of a positively charged Lysine residue with a neutral, polar Threonine residue at a position that is conserved across species. The NHLBI ESP Exome Variant Server reports Lys27Thr was not observed in approximately 5,000 samples from individuals of European and African American backgrounds, indicating it is not a common benign variant in these populations. Nevertheless, no other mutations affecting this region of the ANK2 gene have been reported to date, suggesting this region may be tolerant to change. In summary, with the molecular and clinical information available, we cannot definitively determine whether Lys27Thr is a disease-causing mutation or a rare benign variant. The variant is found in LQT panel(s).

Literature cited by the submitters: PubMed 25650408 (cited by Labcorp Genetics (formerly Invitae), Labcorp and Ambry Genetics).